The following is an entry in ClinVar:

ClinVar aggregate classification (germline): Uncertain significance (1 of 4 stars; one submission).

Submission:

Dasa
Classification: Uncertain significance. Last evaluated: 2025-11-13. Review status: criteria provided, single submitter. Criteria: DASA Assertion Criteria. Collection method: clinical testing. Allele origin: germline.
Comment: NM_001370348.2(PHF3):c.2923G>A (p.Ala975Thr) is a missense variant that results in the substitution of alanine with threonine. This variant is absent from population databases. Computational prediction algorithms are consistent with a benign effect. The currently available literature and clinical evidence are not sufficient to establish a definitive association between this variant and the reported condition. Therefore, this variant is classified as a variant of uncertain significance.

NM_001370348.2(PHF3):c.2923G>A (p.Ala975Thr)

Gene: PHF3 (PHD finger protein 3; plus strand). Cytogenetic location: 6q12.
Variant type: single nucleotide variant.
Coding change: c.2923G>A on transcript NM_001370348.2 (MANE Select); coding-DNA position 2923, G replaced by A.
Protein change: p.Ala975Thr; replaces alanine 975 with threonine.
Molecular consequence: missense variant.
Genome position (GRCh38, 1-based): chr6:63,698,546, G>A. VCF-style: chr6-63698546-G-A. GRCh37 (hg19) VCF-style: chr6-64408436-G-A.
Other names: c.730G>A, p.Ala244Thr (NM_001370350.2); c.2923G>A, p.Ala975Thr (NM_015153.4); c.2659G>A, p.Ala887Thr (NM_001290259.2, NM_001370349.2); short protein forms A244T, A887T, A975T.
Identifiers: ClinVar variation 4884979 (VCV004884979.2).